The following is an entry in ClinVar:

NC_000001.10:g.(155160963_155162030)delinsAT

Variant type: Indel.
Identifiers: ClinVar variation 1302001 (VCV001302001.2).

ClinVar aggregate classification (germline): not provided (0 of 4 stars; one submission).

Conditions:
Tubulointerstitial kidney disease, autosomal dominant, 2 (ADTKD2). Also called: Medullary cystic kidney disease 1; MEDULLARY CYSTIC KIDNEY DISEASE, AUTOSOMAL DOMINANT; POLYCYSTIC KIDNEYS, MEDULLARY TYPE; Autosomal Dominant Tubulointerstitial Kidney Disease – MUC1. Identifiers: Orphanet 34149, Orphanet 88949, MedGen C1868139, MONDO:0020726, OMIM 174000.

Submission:

GeneReviews
No classification provided. Condition: Tubulointerstitial kidney disease, autosomal dominant, 2. Review status: no classification provided. Collection method: literature only. Allele origin: germline.
Comment: Variant encodes the MUC1fs protein [Zivna et al 2018]. This variant not detected by most available clinically MUC1 genetic testing.

Literature cited by the submitters: PubMed 29967284.